The following is an entry in ClinVar:

NM_032273.4(TMEM126A):c.280+14C>T

Gene: TMEM126A (transmembrane protein 126A; plus strand). Cytogenetic location: 11q14.1.
Variant type: single nucleotide variant.
Coding change: c.280+14C>T on transcript NM_032273.4 (MANE Select); 14 bases into the intron after coding-DNA position 280, C replaced by T.
Molecular consequence: intron variant.
Genome position (GRCh38, 1-based): chr11:85,654,270, C>T. VCF-style: chr11-85654270-C-T. GRCh37 (hg19) VCF-style: chr11-85365314-C-T.
Other names: c.70+14C>T (NM_001244735.2).
Identifiers: ClinVar variation 215270 (VCV000215270.16), dbSNP rs117453673, ClinGen allele CA321694.

ClinVar aggregate classification (germline): Benign/Likely benign. Review status: criteria provided, multiple submitters, no conflicts (2 of 4 stars). 4 submissions from 4 submitters: Benign (2); Likely benign (2). Last evaluated 2026-01-22.

Conditions:
Autosomal recessive optic atrophy, OPA7 type. Also called: OPTIC ATROPHY 7 WITH OR WITHOUT AUDITORY NEUROPATHY. Identifiers: Orphanet 227976, Orphanet 98676, MedGen C2751812, MONDO:0013069, OMIM 612989.

Allele frequency attached by ClinVar (database versions not stated): gnomAD 0.00039 and 0.00062; gnomAD exomes 0.00048 and 0.00109; TOPMed 0.00057; ExAC 0.00102; 1000 Genomes Project 30x 0.00375; 1000 Genomes Project 0.00459.
gnomAD v4.1: 856 of 1,612,428 alleles (0.053%); highest among the groups gnomAD compares: East Asian, 1.7%; 10 homozygotes.

Submissions (4):

Labcorp Genetics (formerly Invitae), Labcorp
Classification: Benign. Last evaluated: 2026-01-22. Review status: criteria provided, single submitter. Criteria: Invitae Variant Classification Sherloc (09022015). Collection method: clinical testing. Allele origin: germline.

Blueprint Genetics
Classification: Likely benign. Last evaluated: 2024-11-25. Review status: criteria provided, single submitter. Criteria: ACMG Guidelines, 2015. Collection method: clinical testing. Allele origin: germline.

Illumina Laboratory Services, Illumina
Classification: Likely benign for Autosomal recessive optic atrophy, OPA7 type. Last evaluated: 2017-04-27. Review status: criteria provided, single submitter. Criteria: ICSL Variant Classification Criteria 13 December 2019. Collection method: clinical testing. Allele origin: germline.
Comment: This variant was observed as part of a predisposition screen in an ostensibly healthy population. A literature search was performed for the gene, cDNA change, and amino acid change (where applicable). No publications were found based on this search. Allele frequency data from public databases allowed determination this variant is unlikely to cause disease. Therefore, this variant is classified as likely benign.

GeneDx
Classification: Benign. Last evaluated: 2015-01-12. Review status: criteria provided, single submitter. Criteria: GeneDx Variant Classification (06012015). Collection method: clinical testing. Allele origin: germline. Affected: yes.
Comment: This variant is considered likely benign or benign based on one or more of the following criteria: it is a conservative change, it occurs at a poorly conserved position in the protein, it is predicted to be benign by multiple in silico algorithms, and/or has population frequency not consistent with disease.